The following is an entry in ClinVar:

NM_004211.5(SLC6A5):c.2366A>G (p.Lys789Arg)

Gene: SLC6A5 (solute carrier family 6 member 5; plus strand). Cytogenetic location: 11p15.1.
Variant type: single nucleotide variant.
Coding change: c.2366A>G on transcript NM_004211.5 (MANE Select); coding-DNA position 2366, A replaced by G.
Protein change: p.Lys789Arg; replaces lysine 789 with arginine.
Molecular consequence: missense variant.
Genome position (GRCh38, 1-based): chr11:20,654,840, A>G. VCF-style: chr11-20654840-A-G. GRCh37 (hg19) VCF-style: chr11-20676386-A-G.
Other names: c.1664A>G, p.Lys555Arg (NM_001318369.2); c.2366A>G (NM_004211.4); short protein forms K789R, K555R.
Identifiers: ClinVar variation 304042 (VCV000304042.17), dbSNP rs543307278, ClinGen allele CA5921777.

ClinVar aggregate classification (germline): Benign/Likely benign. Review status: criteria provided, multiple submitters, no conflicts (2 of 4 stars). 4 submissions from 4 submitters: Benign (1); Likely benign (2). 1 of the submissions does not count toward it. Last evaluated 2025-12-17.

Conditions:
Hyperekplexia 3 (HKPX3). Also called: HYPEREKPLEXIA 3, AUTOSOMAL RECESSIVE; HYPEREKPLEXIA 3, AUTOSOMAL DOMINANT. Identifiers: Orphanet 3197, MedGen C3553288, MONDO:0013827, OMIM 614618.
SLC6A5-related disorder. Also called: SLC6A5-related condition.

Allele frequency attached by ClinVar (database versions not stated): gnomAD 0.00001 and 0.00038; TOPMed 0.00008; gnomAD exomes 0.00057 and 0.00108; ExAC 0.00114; 1000 Genomes Project 30x 0.00312; 1000 Genomes Project 0.00319.
gnomAD v4.1: 890 of 1,614,174 alleles (0.055%); highest among the groups gnomAD compares: South Asian, 0.92%; 13 homozygotes.

Submissions (4):

Labcorp Genetics (formerly Invitae), Labcorp
Classification: Benign for Hyperekplexia 3. Last evaluated: 2025-12-17. Review status: criteria provided, single submitter. Criteria: Invitae Variant Classification Sherloc (09022015). Collection method: clinical testing. Allele origin: germline.

Blueprint Genetics
Classification: Likely benign. Last evaluated: 2024-11-26. Review status: criteria provided, single submitter. Criteria: ACMG Guidelines, 2015. Collection method: clinical testing. Allele origin: germline.

Breakthrough Genomics
Classification: Likely benign. Review status: criteria provided, single submitter. Criteria: ACMG Guidelines, 2015. Collection method: not provided. Allele origin: germline. Inheritance: Autosomal dominant inheritance. Affected: yes.

PreventionGenetics, part of Exact Sciences
Classification: Likely benign for SLC6A5-related condition. Last evaluated: 2019-07-10. Review status: no assertion criteria provided. Collection method: clinical testing. Allele origin: germline. Not counted in ClinVar's aggregate classification.
Comment: This variant is classified as likely benign based on ACMG/AMP sequence variant interpretation guidelines (Richards et al. 2015 PMID: 25741868, with internal and published modifications).